The following is an entry in ClinVar:

ClinVar aggregate classification (germline): Uncertain significance (1 of 4 stars; one submission).

Submission:

Labcorp Genetics (formerly Invitae), Labcorp
Classification: Uncertain significance. Last evaluated: 2025-10-28. Review status: criteria provided, single submitter. Criteria: Invitae Variant Classification Sherloc (09022015). Collection method: clinical testing. Allele origin: germline.
Comment: This sequence change replaces valine, which is neutral and non-polar, with leucine, which is neutral and non-polar, at codon 118 of the EGF protein (p.Val118Leu). This variant is not present in population databases (gnomAD no frequency). This variant has not been reported in the literature in individuals affected with EGF-related conditions. An algorithm developed to predict the effect of missense changes on protein structure and function (PolyPhen-2) suggests that this variant is likely to be tolerated. In summary, the available evidence is currently insufficient to determine the role of this variant in disease. Therefore, it has been classified as a Variant of Uncertain Significance.

NM_001963.6(EGF):c.352G>C (p.Val118Leu)

Gene: EGF (epidermal growth factor; plus strand). Cytogenetic location: 4q25.
Variant type: single nucleotide variant.
Coding change: c.352G>C on transcript NM_001963.6 (MANE Select); coding-DNA position 352, G replaced by C.
Protein change: p.Val118Leu; replaces valine 118 with leucine.
Molecular consequence: missense variant.
Genome position (GRCh38, 1-based): chr4:109,943,278, G>C. VCF-style: chr4-109943278-G-C. GRCh37 (hg19) VCF-style: chr4-110864434-G-C.
Other names: c.352G>C, p.Val118Leu (NM_001178130.3, NM_001178131.3, NM_001357021.2); short protein forms V118L.
Identifiers: ClinVar variation 4697289 (VCV004697289.1).